The following is an entry in ClinVar:

ClinVar aggregate classification (germline): Pathogenic (1 of 4 stars; one submission).

Conditions:
LAMA2-related muscular dystrophy (LAMA2-RD). Also called: Laminin alpha 2-related dystrophy. Identifiers: MedGen C5679788, MONDO:0100228.

Submission:

Labcorp Genetics (formerly Invitae), Labcorp
Classification: Pathogenic for LAMA2-related muscular dystrophy. Last evaluated: 2022-02-19. Review status: criteria provided, single submitter. Criteria: Invitae Variant Classification Sherloc (09022015). Collection method: clinical testing. Allele origin: germline.
Comment: For these reasons, this variant has been classified as Pathogenic. This variant has not been reported in the literature in individuals affected with LAMA2-related conditions. This variant is not present in population databases (gnomAD no frequency). This sequence change creates a premature translational stop signal (p.Cys948*) in the LAMA2 gene. It is expected to result in an absent or disrupted protein product. Loss-of-function variants in LAMA2 are known to be pathogenic (PMID: 18700894, 32904964).

Literature cited by the submitters: PubMed 18700894; PubMed 32904964.

NM_000426.4(LAMA2):c.2841_2842del (p.Arg947_Cys948insTer)

Gene: LAMA2 (laminin subunit alpha 2; plus strand). Cytogenetic location: 6q22.33.
Variant type: Deletion.
Coding change: c.2841_2842del on transcript NM_000426.4 (MANE Select); coding-DNA positions 2841 to 2842, 2 bases deleted (AT; older notation c.2841_2842delAT).
Protein change: p.Arg947_Cys948insTer.
Molecular consequence: frameshift variant.
Genome position (GRCh38, 1-based): chr6:129,291,705-129,291,706, AT deleted. VCF-style (leftmost placement, unchanged base first): chr6-129291704-GAT-G. GRCh37 (hg19) VCF-style: chr6-129612849-GAT-G.
Other names: c.2841_2842del, p.Arg947_Cys948insTer (NM_001079823.2).
Identifiers: ClinVar variation 2099349 (VCV002099349.4), dbSNP rs2482308729, ClinGen allele CA2580074934.